The following is an entry in ClinVar:

NM_006765.4(TUSC3):c.31A>G (p.Arg11Gly)

Gene: TUSC3 (tumor suppressor candidate 3; plus strand). Cytogenetic location: 8p22.
Variant type: single nucleotide variant.
Coding change: c.31A>G on transcript NM_006765.4 (MANE Select); coding-DNA position 31, A replaced by G.
Protein change: p.Arg11Gly; replaces arginine 11 with glycine.
Molecular consequence: missense variant.
Genome position (GRCh38, 1-based): chr8:15,540,461, A>G. VCF-style: chr8-15540461-A-G. GRCh37 (hg19) VCF-style: chr8-15397970-A-G.
Other names: c.31A>G, p.Arg11Gly (NM_001356429.2, NM_178234.2); short protein forms R11G.
Identifiers: ClinVar variation 970406 (VCV000970406.7), dbSNP rs778667759, ClinGen allele CA4640265.

ClinVar aggregate classification (germline): Uncertain significance (1 of 4 stars; one submission).

Conditions:
Intellectual developmental disorder, autosomal recessive 7. Also called: Intellectual disability, autosomal recessive 7. Identifiers: Orphanet 88616, MedGen C1970197, MONDO:0012615, OMIM 611093.

Allele frequency attached by ClinVar (database versions not stated): ExAC 0.00001; gnomAD 0.00001; gnomAD exomes below 0.00001; TOPMed 0.00002.
gnomAD v4.1: 5 of 1,605,206 alleles (0.00031%); highest among the groups gnomAD compares: African/African-American, 0.0068%; no homozygotes.

Submission:

Labcorp Genetics (formerly Invitae), Labcorp
Classification: Uncertain significance for Intellectual developmental disorder, autosomal recessive 7. Last evaluated: 2024-04-05. Review status: criteria provided, single submitter. Criteria: Invitae Variant Classification Sherloc (09022015). Collection method: clinical testing. Allele origin: germline.
Comment: This sequence change replaces arginine, which is basic and polar, with glycine, which is neutral and non-polar, at codon 11 of the TUSC3 protein (p.Arg11Gly). This variant is not present in population databases (gnomAD no frequency). This variant has not been reported in the literature in individuals affected with TUSC3-related conditions. ClinVar contains an entry for this variant (Variation ID: 970406). Experimental studies and prediction algorithms are not available or were not evaluated, and the functional significance of this variant is currently unknown. In summary, the available evidence is currently insufficient to determine the role of this variant in disease. Therefore, it has been classified as a Variant of Uncertain Significance.